The following is an entry in ClinVar:

ClinVar aggregate classification (germline): Pathogenic (1 of 4 stars; one submission).

Allele frequency attached by ClinVar (database versions not stated): gnomAD exomes below 0.00001.

Submission:

Labcorp Genetics (formerly Invitae), Labcorp
Classification: Pathogenic. Last evaluated: 2023-08-17. Review status: criteria provided, single submitter. Criteria: Invitae Variant Classification Sherloc (09022015). Collection method: clinical testing. Allele origin: germline.
Comment: For these reasons, this variant has been classified as Pathogenic. This variant disrupts a region of the DSG1 protein in which other variant(s) (p.R887*) have been determined to be pathogenic (PMID: 25041099, 29604126). This suggests that this is a clinically significant region of the protein, and that variants that disrupt it are likely to be disease-causing. ClinVar contains an entry for this variant (Variation ID: 1992756). This variant has not been reported in the literature in individuals affected with DSG1-related conditions. This variant is not present in population databases (gnomAD no frequency). This sequence change creates a premature translational stop signal (p.Ile826Phefs*12) in the DSG1 gene. While this is not anticipated to result in nonsense mediated decay, it is expected to disrupt the last 224 amino acid(s) of the DSG1 protein.

Literature cited by the submitters: PubMed 25041099; PubMed 29604126.

NM_001942.4(DSG1):c.2475del (p.Ile826fs)

Genes: DSG1-AS1 (DSG1 antisense RNA 1; minus strand), DSG1 (desmoglein 1; plus strand), LOC126862720 (MED14-independent group 3 enhancer GRCh37_chr18:28933613-28934812; plus strand). Cytogenetic location: 18q12.1.
Variant type: Deletion.
Coding change: c.2475del on transcript NM_001942.4 (MANE Select); coding-DNA position 2475, one base deleted (T; older notation c.2475delT).
Protein change: p.Ile826fs; shifts the reading frame from isoleucine 826.
Molecular consequence: frameshift variant.
Genome position (GRCh38, 1-based): chr18:31,354,671, T deleted. VCF-style (leftmost placement, unchanged base first): chr18-31354670-CT-C. GRCh37 (hg19) VCF-style: chr18-28934633-CT-C.
Other names: short protein forms I826fs.
Identifiers: ClinVar variation 1992756 (VCV001992756.4), dbSNP rs2510845796, ClinGen allele CA2580095583.
Genomic context (GRCh38, chr18:31,354,670, plus strand): 5'-CTACCACAGTAATTTCTGAGAGCACCTATCCCTCGGGACCTGGTGTACTGCATCCTAAGC[CT>C]ATTCTCGATCCTCTGGGCTATGGTAATGTCACTGTGACCGAGTCTTACACCACCTCTGAC-3'